The following is an entry in ClinVar:

NM_006231.4(POLE):c.4693dup (p.Cys1565fs)

Gene: POLE (DNA polymerase epsilon, catalytic subunit; minus strand). Cytogenetic location: 12q24.33.
Variant type: Duplication.
Coding change: c.4693dup on transcript NM_006231.4 (MANE Select); coding-DNA position 4693, one base duplicated (T; older notation c.4693dupT).
Protein change: p.Cys1565fs; shifts the reading frame from cysteine 1565.
Molecular consequence: frameshift variant.
Genome position (GRCh38, 1-based): chr12:132,642,855, A duplicated on the plus strand (T on the coding strand, the reverse complement: POLE is on the minus strand). VCF-style (leftmost placement, unchanged base first): chr12-132642854-C-CA. GRCh37 (hg19) VCF-style: chr12-133219440-C-CA.
Other names: short protein forms C1565fs.
Identifiers: ClinVar variation 3781546 (VCV003781546.1).

ClinVar aggregate classification (germline): Uncertain significance (1 of 4 stars; one submission).

Conditions:
Hereditary cancer-predisposing syndrome. Also called: Neoplastic Syndromes, Hereditary; Hereditary Cancer Syndrome; Tumor predisposition; Hereditary neoplastic syndrome. Identifiers: Orphanet 140162, MedGen C0027672, MeSH D009386, MONDO:0015356.

Submission:

Ambry Genetics
Classification: Uncertain significance for Hereditary cancer-predisposing syndrome. Last evaluated: 2025-01-15. Review status: criteria provided, single submitter. Criteria: Ambry Variant Classification Scheme 2023. Collection method: clinical testing. Allele origin: germline.
Comment: The c.4693dupT variant, located in coding exon 36 of the POLE gene, results from a duplication of T at nucleotide position 4693, causing a translational frameshift with a predicted alternate stop codon (p.C1565Lfs*35). This alteration is expected to result in loss of function by premature protein truncation or nonsense-mediated mRNA decay. Loss-of-function variants subject to nonsense mediated decay (NMD) in POLE are known to cause POLE deficiency; however, such associations with POLE-related polymerase proofreading-associated polyposis (PPAP) have not been reported. Based on the supporting evidence, this alteration is pathogenic for POLE deficiency; however, the association of this alteration with POLE-related polymerase proofreading-associated polyposis (PPAP) is unknown.